The following is an entry in ClinVar:

ClinVar aggregate classification (germline): Uncertain significance (1 of 4 stars; one submission).

Conditions:
TRPC6-related disorder. Also called: TRPC6-related condition.

Allele frequency attached by ClinVar (database versions not stated): TOPMed below 0.00001; gnomAD 0.00001; gnomAD exomes 0.00001.
gnomAD v4.1: 10 of 1,486,116 alleles (0.00067%); highest among the groups gnomAD compares: Non-Finnish European, 0.0008%; no homozygotes.

Submission:

PreventionGenetics, part of Exact Sciences
Classification: Uncertain significance for TRPC6-related condition. Last evaluated: 2025-02-25. Review status: criteria provided, single submitter. Criteria: ACMG Guidelines, 2015. Collection method: clinical testing. Allele origin: germline.
Comment: The TRPC6 c.7C>T variant is predicted to result in premature protein termination (p.Gln3*). This variant has been reported in the heterozygous state an individual with non-syndromic autism, however it was also present in the patient's father and sibling (Table S8, Griesi-Oliveira et al 2015. PubMed ID: 25385366). Of note, cells from that individual were not available for follow-up functional testing. This variant is reported in 0.0056% of alleles in individuals of European (Non-Finnish) descent in gnomAD. It is unknown if a premature stop codon this early in the gene leads to altered protein function. At this time, the clinical significance of this variant is uncertain due to the absence of conclusive functional and genetic evidence.

NM_004621.6(TRPC6):c.7C>T (p.Gln3Ter)

Gene: TRPC6 (transient receptor potential cation channel subfamily C member 6; minus strand). Cytogenetic location: 11q22.1.
Variant type: single nucleotide variant.
Coding change: c.7C>T on transcript NM_004621.6 (MANE Select); coding-DNA position 7, C replaced by T.
Protein change: p.Gln3Ter; replaces glutamine 3 with a stop codon.
Molecular consequence: nonsense.
Genome position (GRCh38, 1-based): chr11:101,583,497, G>A on the plus strand (C>T on the coding strand, the complement: TRPC6 is on the minus strand). VCF-style: chr11-101583497-G-A. GRCh37 (hg19) VCF-style: chr11-101454228-G-A.
Other names: short protein forms Q3*.
Identifiers: ClinVar variation 3049928 (VCV003049928.3), dbSNP rs1194650989, ClinGen allele CA382444365.